The following is an entry in ClinVar:

NM_000278.5(PAX2):c.1070A>G (p.Tyr357Cys)

Gene: PAX2 (paired box 2; plus strand). Cytogenetic location: 10q24.31.
Variant type: single nucleotide variant.
Coding change: c.1070A>G on transcript NM_000278.5 (MANE Select); coding-DNA position 1070, A replaced by G.
Protein change: p.Tyr357Cys; replaces tyrosine 357 with cysteine.
Molecular consequence: missense variant.
Genome position (GRCh38, 1-based): chr10:100,827,057, A>G. VCF-style: chr10-100827057-A-G. GRCh37 (hg19) VCF-style: chr10-102586814-A-G.
Other names: c.1163A>G, p.Tyr388Cys (NM_001304569.2); c.1139A>G, p.Tyr380Cys (NM_003987.5, NM_003990.5); c.1153A>G, p.Thr385Ala (NM_003988.5); c.1070A>G, p.Tyr357Cys (NM_003989.5); short protein forms Y357C, Y380C, T385A, Y388C.
Identifiers: ClinVar variation 1473825 (VCV001473825.6), dbSNP rs2133989654, ClinGen allele CA378260052.
Genomic context (GRCh38, chr10:100,827,057, plus strand): 5'-ACCCTCCCGCAGGGAGCGAGTTCTCCGGCAACCCGTACAGCCACCCCCAGTACACGGCCT[A>G]CAACGAGGCTTGGAGATTCAGCAACCCCGCCTTACTAAGTGAGTACGCCACCTGGCTGGC-3'
Protein context (NP_000269.3, residues 347-367): NPYSHPQYTA[Tyr357Cys]NEAWRFSNPA

ClinVar aggregate classification (germline): Uncertain significance (1 of 4 stars; one submission).

Conditions:
Focal segmental glomerulosclerosis 7 (FSGS7). Identifiers: Orphanet 656, MedGen C4014925, MONDO:0014451, OMIM 616002.
Renal coloboma syndrome (PAPRS). Also called: OPTIC COLOBOMA, VESICOURETERAL REFLUX, AND RENAL ANOMALIES; OPTIC NERVE COLOBOMA WITH RENAL DISEASE; RENAL-COLOBOMA SYNDROME WITH MACULAR ABNORMALITIES; COLOBOMA OF OPTIC NERVE WITH RENAL DISEASE; CONGENITAL ANOMALIES OF THE KIDNEY AND URINARY TRACT WITH OR WITHOUT OCULAR ABNORMALITIES; CAKUT WITH OR WITHOUT OCULAR ABNORMALITIES. Identifiers: Orphanet 1475, MedGen C1852759, MONDO:0007352, OMIM 120330.

Submission:

Labcorp Genetics (formerly Invitae), Labcorp
Classification: Uncertain significance for Renal coloboma syndrome; Focal segmental glomerulosclerosis 7. Last evaluated: 2021-06-16. Review status: criteria provided, single submitter. Criteria: Invitae Variant Classification Sherloc (09022015). Collection method: clinical testing. Allele origin: germline.
Comment: This sequence change replaces threonine with alanine at codon 385 of the PAX2 protein (p.Thr385Ala). The threonine residue is weakly conserved and there is a small physicochemical difference between threonine and alanine. This variant is not present in population databases (ExAC no frequency). This variant has not been reported in the literature in individuals with PAX2-related conditions. Experimental studies and prediction algorithms are not available or were not evaluated, and the functional significance of this variant is currently unknown. In summary, the available evidence is currently insufficient to determine the role of this variant in disease. Therefore, it has been classified as a Variant of Uncertain Significance.